The following is an entry in ClinVar:

ClinVar aggregate classification (germline): Pathogenic (1 of 4 stars; one submission).

Submission:

Labcorp Genetics (formerly Invitae), Labcorp
Classification: Pathogenic. Last evaluated: 2024-02-17. Review status: criteria provided, single submitter. Criteria: Invitae Variant Classification Sherloc (09022015). Collection method: clinical testing. Allele origin: germline.
Comment: This sequence change creates a premature translational stop signal (p.Val89Phefs*20) in the ABCB11 gene. It is expected to result in an absent or disrupted protein product. Loss-of-function variants in ABCB11 are known to be pathogenic (PMID: 18395098, 20232290). This variant is not present in population databases (gnomAD no frequency). This variant has not been reported in the literature in individuals affected with ABCB11-related conditions. For these reasons, this variant has been classified as Pathogenic.

Literature cited by the submitters: PubMed 18395098; PubMed 20232290.

NM_003742.4(ABCB11):c.265del (p.Val89fs)

Gene: ABCB11 (ATP binding cassette subfamily B member 11; minus strand). Cytogenetic location: 2q31.1.
Variant type: Deletion.
Coding change: c.265del on transcript NM_003742.4 (MANE Select); coding-DNA position 265, one base deleted (G; older notation c.265delG).
Protein change: p.Val89fs; shifts the reading frame from valine 89.
Molecular consequence: frameshift variant.
Genome position (GRCh38, 1-based): chr2:169,013,396, C deleted on the plus strand (G on the coding strand, the reverse complement: ABCB11 is on the minus strand). VCF-style (leftmost placement, unchanged base first): chr2-169013395-AC-A. GRCh37 (hg19) VCF-style: chr2-169869905-AC-A.
Other names: short protein forms V89fs.
Identifiers: ClinVar variation 3641464 (VCV003641464.2).